The following is an entry in ClinVar:

ClinVar aggregate classification (germline): Uncertain significance (1 of 4 stars; one submission).

gnomAD v4.1: 2 of 1,613,060 alleles (0.00012%); highest among the groups gnomAD compares: Middle Eastern, 0.017%; no homozygotes.

Submission:

Ambry Genetics
Classification: Uncertain significance. Last evaluated: 2026-08-18. Review status: criteria provided, single submitter. Criteria: Ambry Variant Classification Scheme 2023. Collection method: clinical testing. Allele origin: germline.
Comment: The p.I545T variant (also known as c.1634T>C), located in coding exon 12 of the RECQL gene, results from a T to C substitution at nucleotide position 1634. The isoleucine at codon 545 is replaced by threonine, an amino acid with similar properties. This amino acid position is conserved. In addition, this alteration is predicted to be tolerated by in silico analysis. Based on the available evidence, the clinical significance of this variant remains unclear.

NM_002907.4(RECQL):c.1634T>C (p.Ile545Thr)

Gene: RECQL (RecQ like helicase; minus strand). Cytogenetic location: 12p12.1.
Variant type: single nucleotide variant.
Coding change: c.1634T>C on transcript NM_002907.4 (MANE Select); coding-DNA position 1634, T replaced by C.
Protein change: p.Ile545Thr; replaces isoleucine 545 with threonine.
Molecular consequence: missense variant.
Genome position (GRCh38, 1-based): chr12:21,471,461, A>G on the plus strand (T>C on the coding strand, the complement: RECQL is on the minus strand). VCF-style: chr12-21471461-A-G. GRCh37 (hg19) VCF-style: chr12-21624395-A-G.
Other names: c.1634T>C, p.Ile545Thr (NM_032941.3); short protein forms I545T.
Identifiers: ClinVar variation 5028058 (VCV005028058.1).
Genomic context (GRCh38, chr12:21,471,461, plus strand): 5'-AAGAATAATGAATGAGTTTGTACATACTTAAGATACTGCTGTATTAGAAAGTGTGCAATA[A>G]TCTTCTCCAGATCTTCACGAGGAAGTGTGGGAGCCACAACACCTGCTACTCTCAGTTTTG-3'
Protein context (NP_002898.2, residues 535-555): PTLPREDLEK[Ile545Thr]IAHFLIQQYL